The following is an entry in ClinVar:

NM_014625.4(NPHS2):c.923C>T (p.Ala308Val)

Genes: AXDND1 (axonemal dynein light chain domain containing 1; plus strand), NPHS2 (NPHS2 stomatin family member, podocin; minus strand). Cytogenetic location: 1q25.2.
Variant type: single nucleotide variant.
Coding change: c.923C>T on transcript NM_014625.4 (MANE Select); coding-DNA position 923, C replaced by T.
Protein change: p.Ala308Val; replaces alanine 308 with valine.
Molecular consequence: missense variant. On other transcripts: intron variant (1).
Genome position (GRCh38, 1-based): chr1:179,551,402, G>A on the plus strand (C>T on the coding strand, the complement: NPHS2 is on the minus strand). VCF-style: chr1-179551402-G-A. GRCh37 (hg19) VCF-style: chr1-179520537-G-A.
Other names: c.719C>T, p.Ala240Val (NM_001297575.2); c.3032-3110G>A (NM_144696.6); short protein forms A240V, A308V.
Identifiers: ClinVar variation 988166 (VCV000988166.2), dbSNP rs1673255837, ClinGen allele CA343565785.

ClinVar aggregate classification (germline): Likely pathogenic. Review status: criteria provided, single submitter (1 of 4 stars). 2 submissions from 2 submitters: Likely pathogenic (1). 1 of the submissions does not count toward it. Last evaluated 2022-02-02.

Conditions:
Nephrotic syndrome. Identifiers: MedGen C0027726, MONDO:0005377, HP:0000100.
Nephrotic syndrome, type 2 (NPHS2). Also called: NEPHROTIC SYNDROME, STEROID-RESISTANT, AUTOSOMAL RECESSIVE. Identifiers: Orphanet 656, MedGen C1868672, MONDO:0010974, OMIM 600995.

Submissions (2):

Victorian Clinical Genetics Services, Murdoch Childrens Research Institute
Classification: Likely pathogenic for Nephrotic syndrome, type 2. Last evaluated: 2022-02-02. Review status: criteria provided, single submitter. Criteria: ACMG Guidelines, 2015. Collection method: clinical testing. Allele origin: germline. Inheritance: Autosomal recessive inheritance.
Comment: Based on the classification scheme VCGS_Germline_v1.3.4, this variant is classified as Likely Pathogenic. Following criteria are met: 0102 - Loss of function is a known mechanism of disease in this gene and is associated with nephrotic syndrome, type 2 (MIM#600995). (I) 0106 - This gene is associated with autosomal recessive disease. (I) 0112 - The condition associated with this gene has incomplete penetrance. Missense variant p.(Arg229Gln) is known to only cause disease when compound heterozygous with certain variants including a missense variant comparable to this variant (PMID: 24509478). (I) 0115 - Variants in this gene are known to have variable expressivity. Intra-familial variability and severity has been reported (OMIM, PMID: 24509478). (I) 0200 - Variant is predicted to result in a missense amino acid change from alanine to valine. (I) 0251 - This variant is heterozygous. (I) 0301 - Variant is absent from gnomAD (both v2 and v3). (SP) 0309 - An alternative amino acid change at the same position has been observed in gnomAD (v2) (1 heterozygote, 0 homozygotes). (I) 0501 - Missense variant consistently predicted to be damaging by multiple in silico tools or highly conserved with a major amino acid change. (SP) 0600 - Variant is located in the annotated SPFH podocin domain (NCBI). (I) 0704 - Another missense variant comparable to the one identified in this case has limited previous evidence for pathogenicity. An alternative change (p.(Ala308Thr)) has been seen in one compound heterozygous individual with nephrotic syndrome (PMID: 22763815). (SP) 0803 - This variant has limited previous evidence of pathogenicity in an unrelated compound heterozygous individual with nephrotic syndrome (ClinVar). (SP) 0905 - No published segregation evidence has been identified for this variant. (I) 1007 - No published functional evidence has been identified for this variant. (I) 1208 - Inheritance information for this variant is not currently available in this individual. (I) Legend: (SP) - Supporting pathogenic, (I) - Information, (SB) - Supporting benign

Sydney Genome Diagnostics, Children's Hospital Westmead
Classification: Likely pathogenic for Nephrotic syndrome. Last evaluated: 2019-05-01. Review status: no assertion criteria provided. Collection method: clinical testing. Allele origin: maternal. Affected: yes. Observed: 1 variant allele, 1 compound heterozygote. Not counted in ClinVar's aggregate classification.
Comment: The variant has not been reported in any population databases (i.e. gnomAD, ExAC, ESP or dbSNP). To our knowledge, this variant has not been previously reported in the literature or any disease specific databases. This variant is located in the band 7 domain in the podocin protein. In silico analysis of pathogenicity (through Alamut Visual v2.8.1) using PolyPhen2, SIFT and MutationTaster suggest that this variant is likely to be pathogenic. This variant is considered to be likely pathogenic according to ACMG guidelines.

Literature cited by the submitters: PubMed 22763815 (cited by Victorian Clinical Genetics Services, Murdoch Childrens Research Institute); PubMed 24509478 (cited by Victorian Clinical Genetics Services, Murdoch Childrens Research Institute).